The following is an entry in ClinVar:

ClinVar aggregate classification (germline): Uncertain significance. Review status: criteria provided, multiple submitters, no conflicts (2 of 4 stars). 3 submissions from 3 submitters: Uncertain significance (3). Last evaluated 2024-01-04.

Conditions:
Short-rib thoracic dysplasia 10 with or without polydactyly (SRTD10). Identifiers: Orphanet 474, MedGen C3810175, MONDO:0014284, OMIM 615630.
Retinitis pigmentosa 71 (RP71). Identifiers: Orphanet 791, MedGen C4225342, MONDO:0014618, OMIM 616394.
Bardet-Biedl syndrome 20. Identifiers: MedGen C4310707, MONDO:0023670, OMIM 619471, MONDO:0014926.
Retinal dystrophy. Also called: Inherited retinal dystrophy. Identifiers: Orphanet 71862, MedGen C0854723, MeSH D058499, MONDO:0019118, HP:0000556.

Allele frequency attached by ClinVar (database versions not stated): gnomAD exomes 0.00001; TOPMed 0.00002; gnomAD 0.00003.
gnomAD v4.1: 33 of 1,614,062 alleles (0.002%); highest among the groups gnomAD compares: African/African-American, 0.008%; no homozygotes.

Submissions (3):

Fulgent Genetics
Classification: Uncertain significance for Short-rib thoracic dysplasia 10 with or without polydactyly; Retinitis pigmentosa 71; Bardet-Biedl syndrome 20. Last evaluated: 2024-01-04. Review status: criteria provided, single submitter. Criteria: ACMG Guidelines, 2015. Collection method: clinical testing. Allele origin: germline.

Dept Of Ophthalmology, Nagoya University
Classification: Uncertain significance for Retinal dystrophy. Last evaluated: 2023-10-01. Review status: criteria provided, single submitter. Criteria: Submitter's publication. Collection method: research. Allele origin: germline. Affected: yes.

Labcorp Genetics (formerly Invitae), Labcorp
Classification: Uncertain significance for Retinitis pigmentosa 71; Short-rib thoracic dysplasia 10 with or without polydactyly. Last evaluated: 2022-07-25. Review status: criteria provided, single submitter. Criteria: Invitae Variant Classification Sherloc (09022015). Collection method: clinical testing. Allele origin: germline.
Comment: This sequence change replaces arginine, which is basic and polar, with histidine, which is basic and polar, at codon 894 of the IFT172 protein (p.Arg894His). This variant is present in population databases (rs561927411, gnomAD 0.02%). This variant has not been reported in the literature in individuals affected with IFT172-related conditions. ClinVar contains an entry for this variant (Variation ID: 863878). Algorithms developed to predict the effect of missense changes on protein structure and function are either unavailable or do not agree on the potential impact of this missense change (SIFT: "Deleterious"; PolyPhen-2: "Benign"; Align-GVGD: "Class C0"). In summary, the available evidence is currently insufficient to determine the role of this variant in disease. Therefore, it has been classified as a Variant of Uncertain Significance.

NM_015662.3(IFT172):c.2681G>A (p.Arg894His)

Genes: IFT172 (intraflagellar transport 172; minus strand), LOC126806174 (CDK7 strongly-dependent group 2 enhancer GRCh37_chr2:27681686-27682885; plus strand). Cytogenetic location: 2p23.3.
Variant type: single nucleotide variant.
Coding change: c.2681G>A on transcript NM_015662.3 (MANE Select); coding-DNA position 2681, G replaced by A.
Protein change: p.Arg894His; replaces arginine 894 with histidine.
Molecular consequence: missense variant.
Genome position (GRCh38, 1-based): chr2:27,459,484, C>T on the plus strand (G>A on the coding strand, the complement: IFT172 is on the minus strand). VCF-style: chr2-27459484-C-T. GRCh37 (hg19) VCF-style: chr2-27682351-C-T.
Other names: short protein forms R894H.
Identifiers: ClinVar variation 863878 (VCV000863878.10), dbSNP rs561927411, ClinGen allele CA44494796.